The following is an entry in ClinVar:

NM_000271.5(NPC1):c.740G>A (p.Cys247Tyr)

Gene: NPC1 (NPC intracellular cholesterol transporter 1; minus strand). Cytogenetic location: 18q11.2.
Variant type: single nucleotide variant.
Coding change: c.740G>A on transcript NM_000271.5 (MANE Select); coding-DNA position 740, G replaced by A.
Protein change: p.Cys247Tyr; replaces cysteine 247 with tyrosine.
Molecular consequence: missense variant.
Genome position (GRCh38, 1-based): chr18:23,560,372, C>T on the plus strand (G>A on the coding strand, the complement: NPC1 is on the minus strand). VCF-style: chr18-23560372-C-T. GRCh37 (hg19) VCF-style: chr18-21140336-C-T.
Other names: short protein forms C247Y.
Identifiers: ClinVar variation 5003215 (VCV005003215.1).

ClinVar aggregate classification (germline): Uncertain significance (1 of 4 stars; one submission).

Conditions:
Niemann-Pick disease, type C1. Also called: NEUROVISCERAL STORAGE DISEASE WITH VERTICAL SUPRANUCLEAR OPHTHALMOPLEGIA; NIEMANN-PICK DISEASE WITH CHOLESTEROL ESTERIFICATION BLOCK; NIEMANN-PICK DISEASE WITHOUT SPHINGOMYELINASE DEFICIENCY; NIEMANN-PICK DISEASE, CHRONIC NEURONOPATHIC FORM; NIEMANN-PICK DISEASE, VARIANT TYPE C1. Identifiers: Orphanet 646, MedGen C3179455, MONDO:0009757, OMIM 257220.

Submission:

Myriad Genetics, Inc.
Classification: Uncertain significance for Niemann-Pick disease, type C1. Last evaluated: 2025-07-22. Review status: criteria provided, single submitter. Criteria: Myriad Autosomal Dominant, Autosomal Recessive and X-Linked Classification Criteria (2023). Collection method: clinical testing. Allele origin: unknown.
Comment: NM_000271.4(NPC1):c.740G>A(C247Y) is a missense variant classified as a variant of uncertain significance in the context of Niemann-Pick disease type C1. C247Y has been observed in cases with relevant disease (PMID: 12955717, 19744920, 30820861). Relevant functional assessments of this variant are available in the literature (PMID: 31509197). C247Y has not been observed in referenced population frequency databases. In summary, there is insufficient evidence to classify NM_000271.4(NPC1):c.740G>A(C247Y) as pathogenic or benign. Please note: this variant was assessed in the context of healthy population screening.

Literature cited by the submitters: PubMed 12955717; PubMed 19744920; PubMed 30820861; PubMed 31509197.